The following is an entry in ClinVar:

ClinVar aggregate classification (germline): Uncertain significance (1 of 4 stars; one submission).

Allele frequency attached by ClinVar (database versions not stated): gnomAD exomes below 0.00001.
gnomAD v4.1: 2 of 1,606,130 alleles (0.00012%); highest among the groups gnomAD compares: Non-Finnish European, 0.000085%; no homozygotes.

Submission:

Labcorp Genetics (formerly Invitae), Labcorp
Classification: Uncertain significance. Last evaluated: 2023-02-20. Review status: criteria provided, single submitter. Criteria: Invitae Variant Classification Sherloc (09022015). Collection method: clinical testing. Allele origin: germline.
Comment: In summary, the available evidence is currently insufficient to determine the role of this variant in disease. Therefore, it has been classified as a Variant of Uncertain Significance. Advanced modeling of protein sequence and biophysical properties (such as structural, functional, and spatial information, amino acid conservation, physicochemical variation, residue mobility, and thermodynamic stability) has been performed at Invitae for this missense variant, however the output from this modeling did not meet the statistical confidence thresholds required to predict the impact of this variant on COL11A1 protein function. ClinVar contains an entry for this variant (Variation ID: 1471832). This variant has not been reported in the literature in individuals affected with COL11A1-related conditions. This variant is not present in population databases (gnomAD no frequency). This sequence change replaces glycine, which is neutral and non-polar, with cysteine, which is neutral and slightly polar, at codon 1312 of the COL11A1 protein (p.Gly1312Cys).

NM_001854.4(COL11A1):c.3934G>T (p.Gly1312Cys)

Gene: COL11A1 (collagen type XI alpha 1 chain; minus strand). Cytogenetic location: 1p21.1.
Variant type: single nucleotide variant.
Coding change: c.3934G>T on transcript NM_001854.4 (MANE Select); coding-DNA position 3934, G replaced by T.
Protein change: p.Gly1312Cys; replaces glycine 1312 with cysteine.
Molecular consequence: missense variant. On other transcripts: non-coding transcript variant (1).
Genome position (GRCh38, 1-based): chr1:102,914,396, C>A on the plus strand (G>T on the coding strand, the complement: COL11A1 is on the minus strand). VCF-style: chr1-102914396-C-A. GRCh37 (hg19) VCF-style: chr1-103379952-C-A.
Other names: c.3817G>T, p.Gly1273Cys (NM_001190709.2); c.3970G>T, p.Gly1324Cys (NM_080629.3); c.3586G>T, p.Gly1196Cys (NM_080630.4); short protein forms G1273C, G1324C, G1196C, G1312C.
Identifiers: ClinVar variation 1471832 (VCV001471832.8), dbSNP rs2101030448, ClinGen allele CA341161026.